The following is an entry in ClinVar:

NM_016222.4(DDX41):c.739G>A (p.Glu247Lys)

Gene: DDX41 (DEAD-box helicase 41; minus strand). Cytogenetic location: 5q35.3.
Variant type: single nucleotide variant.
Coding change: c.739G>A on transcript NM_016222.4 (MANE Select); coding-DNA position 739, G replaced by A.
Protein change: p.Glu247Lys; replaces glutamic acid 247 with lysine.
Molecular consequence: missense variant.
Genome position (GRCh38, 1-based): chr5:177,514,975, C>T on the plus strand (G>A on the coding strand, the complement: DDX41 is on the minus strand). VCF-style: chr5-177514975-C-T. GRCh37 (hg19) VCF-style: chr5-176941976-C-T.
Other names: c.361G>A, p.Glu121Lys (NM_001321732.2, NM_001321830.2); c.739G>A (NM_016222.2); short protein forms E121K, E247K.
Identifiers: ClinVar variation 3241296 (VCV003241296.2), dbSNP rs2532084593.

ClinVar aggregate classification (germline): Uncertain significance. Review status: criteria provided, multiple submitters, no conflicts (2 of 4 stars). 2 submissions from 2 submitters: Uncertain significance (2). Last evaluated 2025-07-18.

Conditions:
Inborn genetic diseases. Identifiers: MedGen C0950123, MeSH D030342.
DDX41-related hematologic malignancy predisposition syndrome. Also called: DDX41-Associated Familial Myelodysplastic Syndrome and Acute Myeloid Leukemia; Myeloproliferative/lymphoproliferative neoplasms, familial (multiple types), susceptibility to. Identifiers: Orphanet 488647, MedGen C4225174, MONDO:0014809, OMIM 616871.

Submissions (2):

Ambry Genetics
Classification: Uncertain significance for Inborn genetic diseases. Last evaluated: 2025-07-18. Review status: criteria provided, single submitter. Criteria: Ambry Variant Classification Scheme 2023. Collection method: clinical testing. Allele origin: germline.
Comment: The p.E247K variant (also known as c.739G>A), located in coding exon 8 of the DDX41 gene, results from a G to A substitution at nucleotide position 739. The glutamic acid at codon 247 is replaced by lysine, an amino acid with similar properties. This amino acid position is highly conserved in available vertebrate species. In addition, the in silico prediction for this alteration is inconclusive. Based on the available evidence, the clinical significance of this variant remains unclear.

Baylor Genetics
Classification: Uncertain significance for DDX41-related hematologic malignancy predisposition syndrome. Last evaluated: 2024-02-18. Review status: criteria provided, single submitter. Criteria: ACMG Guidelines, 2015. Collection method: clinical testing. Allele origin: unknown.